The following is an entry in ClinVar:

ClinVar aggregate classification (germline): Uncertain significance. Review status: criteria provided, multiple submitters, no conflicts (2 of 4 stars). 2 submissions from 2 submitters: Uncertain significance (2). Last evaluated 2023-05-17.

Conditions:
Familial hypokalemia-hypomagnesemia (GTLMNS). Also called: HYPOMAGNESEMIA-HYPOKALEMIA, PRIMARY RENOTUBULAR, WITH HYPOCALCIURIA; POTASSIUM AND MAGNESIUM DEPLETION; gitelman syndrome. Identifiers: Orphanet 358, MedGen C0268450, MONDO:0009904, OMIM 263800.

Allele frequency attached by ClinVar (database versions not stated): ExAC 0.00013; gnomAD exomes 0.00010; TOPMed 0.00002; ESP Exome Variant Server 0.00008.

Submissions (2):

GeneDx
Classification: Uncertain significance. Last evaluated: 2023-05-17. Review status: criteria provided, single submitter. Criteria: GeneDx Variant Classification Process June 2021. Collection method: clinical testing. Allele origin: germline. Affected: yes.
Comment: In silico analysis supports that this missense variant has a deleterious effect on protein structure/function; Has not been previously published as pathogenic or benign to our knowledge

Illumina Laboratory Services, Illumina
Classification: Uncertain significance for Familial hypokalemia-hypomagnesemia. Last evaluated: 2018-01-12. Review status: criteria provided, single submitter. Criteria: ICSL Variant Classification Criteria 13 December 2019. Collection method: clinical testing. Allele origin: germline.

NM_001126108.2(SLC12A3):c.161G>A (p.Arg54His)

Gene: SLC12A3 (solute carrier family 12 member 3; plus strand). Cytogenetic location: 16q13.
Variant type: single nucleotide variant.
Coding change: c.161G>A on transcript NM_001126108.2 (MANE Select); coding-DNA position 161, G replaced by A.
Protein change: p.Arg54His; replaces arginine 54 with histidine.
Molecular consequence: missense variant.
Genome position (GRCh38, 1-based): chr16:56,865,396, G>A. VCF-style: chr16-56865396-G-A. GRCh37 (hg19) VCF-style: chr16-56899308-G-A.
Other names: c.161G>A, p.Arg54His (NM_000339.3, NM_001126107.2); short protein forms R54H.
Identifiers: ClinVar variation 888552 (VCV000888552.5), dbSNP rs373163077, ClinGen allele CA8068927.